The following is an entry in ClinVar:

ClinVar aggregate classification (germline): Likely pathogenic (1 of 4 stars; one submission).

Conditions:
Cardiovascular phenotype. Identifiers: MedGen CN230736.

Submission:

Ambry Genetics
Classification: Likely pathogenic for Cardiovascular phenotype. Last evaluated: 2022-12-22. Review status: criteria provided, single submitter. Criteria: Ambry Variant Classification Scheme 2023. Collection method: clinical testing. Allele origin: germline.
Comment: The c.79641_79642delTT variant, located in coding exon 187 of the TTN gene, results from a deletion of two nucleotides at nucleotide positions 79641 to 79642, causing a translational frameshift with a predicted alternate stop codon (p.S26548Yfs*22). This exon is located in the M-band region of the N2-B isoform of the titin protein and is constitutively expressed in TTN transcripts (percent spliced in or PSI 100%). This variant is considered to be rare based on population cohorts in the Genome Aggregation Database (gnomAD). This alteration is expected to result in loss of function by premature protein truncation or nonsense-mediated mRNA decay. While truncating variants in TTN are present in 1-3% of the general population, truncating variants in the M-band have been reported in association with autosomal recessive titinopathies, primarily presenting with skeletal myopathy phenotypes (Ceyhan-Birsoy O et al. Neurology. 2013 Oct 1;81(14):1205-14; De Cid R et al. Neurology. 2015;85(24):2126-35). In addition, regardless of their position, TTN truncating variants encoded in constitutive exons (PSI >90%) have been found to be significantly associated with dilated cardiomyopathy (DCM), though truncating variants in the A-band are the most common cause of DCM (Herman DS et al. N. Engl. J. Med., 2012 Feb;366:619-28; Roberts AM et al. Sci Transl Med, 2015 Jan;7:270ra6; Schafer S et al. Nat. Genet., 2017 01;49:46-53). Based on the majority of available evidence to date, this variant is likely to be pathogenic in association with autosomal recessive titinopathy; however, the clinical significance of this alteration with respect to cardiomyopathy remains unclear.

NM_001267550.2(TTN):c.106836_106837del (p.Ser35613fs)

Genes: TTN (titin; minus strand), TTN-AS1 (TTN antisense RNA 1; plus strand). Cytogenetic location: 2q31.2.
Variant type: Deletion.
Coding change: c.106836_106837del on transcript NM_001267550.2 (MANE Select); coding-DNA positions 106836 to 106837, 2 bases deleted (TT; older notation c.106836_106837delTT).
Protein change: p.Ser35613fs; shifts the reading frame from serine 35613.
Molecular consequence: frameshift variant.
Genome position (GRCh38, 1-based): chr2:178,528,914-178,528,915, AA deleted on the plus strand (TT on the coding strand, the reverse complement: TTN is on the minus strand); deleting any 2 consecutive bases within chr2:178,528,914-178,528,917 gives the same sequence; the c. name uses the placement nearest the transcript's 3' end. VCF-style (leftmost placement, unchanged base first): chr2-178528913-GAA-G. GRCh37 (hg19) VCF-style: chr2-179393640-GAA-G.
Other names: c.101913_101914del, p.Ser33972fs (NM_001256850.1); c.79641_79642del, p.Ser26548fs (NM_003319.4); c.99132_99133del, p.Ser33045fs (NM_133378.4); c.80016_80017del, p.Ser26673fs (NM_133432.3); c.80217_80218del, p.Ser26740fs (NM_133437.4); c.79641_79642delTT (NM_003319.4); short protein forms S26673fs, S33045fs, S26548fs, S35613fs, S26740fs, S33972fs.
Identifiers: ClinVar variation 2451881 (VCV002451881.2), dbSNP rs2468304792, ClinGen allele CA2580064908.